The following is an entry in ClinVar:

NM_001113491.2(SEPTIN9):c.442C>T (p.Arg148Trp)

Gene: SEPTIN9 (septin 9; plus strand). Cytogenetic location: 17q25.3.
Variant type: single nucleotide variant.
Coding change: c.442C>T on transcript NM_001113491.2 (MANE Select); coding-DNA position 442, C replaced by T.
Protein change: p.Arg148Trp; replaces arginine 148 with tryptophan.
Molecular consequence: missense variant. On other transcripts: 5 prime UTR variant (2).
Genome position (GRCh38, 1-based): chr17:77,402,424, C>T. VCF-style: chr17-77402424-C-T. GRCh37 (hg19) VCF-style: chr17-75398506-C-T.
Other names: c.-51C>T (NM_001113492.2, NM_001113494.1); c.421C>T, p.Arg141Trp (NM_001113493.2); c.385C>T, p.Arg129Trp (NM_001293695.2); c.388C>T, p.Arg130Trp (NM_006640.5); c.442C>T (NM_001113491.1); short protein forms R130W, R148W, R129W, R141W.
Identifiers: ClinVar variation 325544 (VCV000325544.40), dbSNP rs544797046, ClinGen allele CA8793210.

ClinVar aggregate classification (germline): Conflicting classifications of pathogenicity. Review status: criteria provided, conflicting classifications (1 of 4 stars). 7 submissions from 7 submitters: Uncertain significance (1); Benign (4); Likely benign (1). 1 of the submissions does not count toward it. Last evaluated 2025-11-22.

Conditions:
Inborn genetic diseases. Identifiers: MedGen C0950123, MeSH D030342.
Amyotrophic neuralgia (HNA). Also called: AMYOTROPHY, HEREDITARY NEURALGIC, WITH PREDILECTION FOR BRACHIAL PLEXUS; Hereditary Brachial Plexus Neuropathy; Neuritis with Brachial Predilection; AMYOTROPHY, HEREDITARY NEURALGIC. Identifiers: Orphanet 2901, MedGen C1834304, MONDO:0008076, OMIM 162100.
SEPTIN9-related disorder. Also called: SEPTIN9-related condition.

Allele frequency attached by ClinVar (database versions not stated): gnomAD 0.00002 and 0.00022; TOPMed 0.00008; gnomAD exomes 0.00082; 1000 Genomes Project 30x 0.00156; 1000 Genomes Project 0.00180.
gnomAD v4.1: 652 of 1,610,470 alleles (0.04%); highest among the groups gnomAD compares: South Asian, 0.57%; 11 homozygotes.

Submissions (7):

Labcorp Genetics (formerly Invitae), Labcorp
Classification: Benign. Last evaluated: 2025-11-22. Review status: criteria provided, single submitter. Criteria: Invitae Variant Classification Sherloc (09022015). Collection method: clinical testing. Allele origin: germline.

Blueprint Genetics
Classification: Likely benign. Last evaluated: 2024-11-06. Review status: criteria provided, single submitter. Criteria: ACMG Guidelines, 2015. Collection method: clinical testing. Allele origin: germline.

Ambry Genetics
Classification: Uncertain significance for Inborn genetic diseases. Last evaluated: 2024-01-24. Review status: criteria provided, single submitter. Criteria: Ambry Variant Classification Scheme 2023. Collection method: clinical testing. Allele origin: germline.

CeGaT Center for Human Genetics Tuebingen
Classification: Benign. Last evaluated: 2023-09-01. Review status: criteria provided, single submitter. Criteria: CeGaT Center For Human Genetics Tuebingen Variant Classification Criteria Version 2. Collection method: clinical testing. Allele origin: germline. Affected: yes. Observed: 1 variant allele.
Comment: SEPTIN9: BS1, BS2

Illumina Laboratory Services, Illumina
Classification: Benign for Amyotrophy, hereditary neuralgic. Last evaluated: 2018-01-12. Review status: criteria provided, single submitter. Criteria: ICSL Variant Classification Criteria 13 December 2019. Collection method: clinical testing. Allele origin: germline.
Comment: This variant was observed in the ICSL laboratory as part of a predisposition screen in an ostensibly healthy population. It had not been previously curated by ICSL or reported in the Human Gene Mutation Database (HGMD: prior to June 1st, 2018), and was therefore a candidate for classification through an automated scoring system. Utilizing variant allele frequency, disease prevalence and penetrance estimates, and inheritance mode, an automated score was calculated to assess if this variant is too frequent to cause the disease. Based on the score and internal cut-off values, a variant classified as benign is not then subjected to further curation. The score for this variant resulted in a classification of benign for this disease.

Breakthrough Genomics
Classification: Benign. Review status: criteria provided, single submitter. Criteria: ACMG Guidelines, 2015. Collection method: not provided. Allele origin: germline. Inheritance: Autosomal dominant inheritance. Affected: yes.

PreventionGenetics, part of Exact Sciences
Classification: Benign for SEPTIN9-related condition. Last evaluated: 2019-07-02. Review status: no assertion criteria provided. Collection method: clinical testing. Allele origin: germline. Not counted in ClinVar's aggregate classification.
Comment: This variant is classified as benign based on ACMG/AMP sequence variant interpretation guidelines (Richards et al. 2015 PMID: 25741868, with internal and published modifications).